The following is an entry in ClinVar:

NM_030962.4(SBF2):c.5179C>T (p.Arg1727Ter)

Genes: SBF2 (SET binding factor 2; minus strand), SBF2-AS1 (SBF2 antisense RNA 1; plus strand), LOC105369149 (uncharacterized LOC105369149; plus strand). Cytogenetic location: 11p15.4.
Variant type: single nucleotide variant.
Coding change: c.5179C>T on transcript NM_030962.4 (MANE Select); coding-DNA position 5179, C replaced by T.
Protein change: p.Arg1727Ter; replaces arginine 1727 with a stop codon.
Molecular consequence: nonsense.
Genome position (GRCh38, 1-based): chr11:9,785,177, G>A on the plus strand (C>T on the coding strand, the complement: SBF2 is on the minus strand). VCF-style: chr11-9785177-G-A. GRCh37 (hg19) VCF-style: chr11-9806724-G-A.
Other names: c.5275C>T, p.Arg1759Ter (NM_001386339.1); c.5050C>T, p.Arg1684Ter (NM_001386342.1); c.5215C>T, p.Arg1739Ter (NM_001424318.1, NM_001425070.1); c.5074C>T, p.Arg1692Ter (NM_001425069.1); short protein forms R1727*, R1692*, R1739*, R1684*, R1759*.
Identifiers: ClinVar variation 5005011 (VCV005005011.2).

ClinVar aggregate classification (germline): Likely pathogenic (1 of 4 stars; one submission).

Conditions:
Charcot-Marie-Tooth disease type 4B2. Also called: CHARCOT-MARIE-TOOTH DISEASE, WITH FOCALLY FOLDED MYELIN SHEATHS, AUTOSOMAL RECESSIVE, TYPE 4B2; Charcot-Marie-Tooth Neuropathy Type 4B2; CHARCOT-MARIE-TOOTH DISEASE, DEMYELINATING, TYPE 4B2; CMT 4B2. Identifiers: Orphanet 99956, MedGen C1858278, MONDO:0011475, OMIM 604563.

gnomAD v4.1: 1 of 1,613,912 alleles (0.000062%); highest among the groups gnomAD compares: Non-Finnish European, 0.000085%; no homozygotes.

Submission:

Juno Genomics, Hangzhou Juno Genomics, Inc
Classification: Likely pathogenic for Charcot-Marie-Tooth disease type 4B2. Review status: criteria provided, single submitter. Criteria: ACMG Guidelines, 2015. Collection method: clinical testing. Allele origin: germline.
Comment: Null variant in a gene where loss of function (LOF) is a known mechanism of disease.;Absent from controls (or at extremely low frequency if recessive) in Genome Aggregation Database.